The following is an entry in ClinVar:

NM_000203.5(IDUA):c.1759C>T (p.Gln587Ter)

Gene: IDUA (alpha-L-iduronidase; plus strand). Cytogenetic location: 4p16.3.
Variant type: single nucleotide variant.
Coding change: c.1759C>T on transcript NM_000203.5 (MANE Select); coding-DNA position 1759, C replaced by T.
Protein change: p.Gln587Ter; replaces glutamine 587 with a stop codon.
Molecular consequence: nonsense. On other transcripts: non-coding transcript variant (1).
Genome position (GRCh38, 1-based): chr4:1,004,043, C>T. VCF-style: chr4-1004043-C-T. GRCh37 (hg19) VCF-style: chr4-997831-C-T.
Other names: c.1363C>T, p.Gln455Ter (NM_001363576.1); short protein forms Q455*, Q587*.
Identifiers: ClinVar variation 2630132 (VCV002630132.3), dbSNP rs2534102386, ClinGen allele CA355965402.
Genomic context (GRCh38, chr4:1,004,043, plus strand): 5'-CAGCCTTGTTCTTGGCCTGACCTCCCCAGGTGCCTGTGGACATACGAGATCCAGTTCTCT[C>T]AGGACGGTAAGGCGTACACCCCGGTCAGCAGGAAGCCATCGACCTTCAACCTCTTTGTGT-3'

ClinVar aggregate classification (germline): Pathogenic. Review status: criteria provided, multiple submitters, no conflicts (2 of 4 stars). 2 submissions from 2 submitters: Pathogenic (2). Last evaluated 2023-08-19.

Conditions:
Hurler syndrome. Also called: MUCOPOLYSACCHARIDOSIS TYPE IH; Severe MPS I (Hurler Syndrome); Gargoylism, Hurler Syndrome. Identifiers: Orphanet 93473, MedGen C0086795, MONDO:0011758, OMIM 607014.
IDUA-related disorder. Also called: IDUA-related condition.

Submissions (2):

Department Of Genetics, Lifeline Super Speciality Hospital, Adoor.
Classification: Pathogenic for Hurler syndrome. Last evaluated: 2023-08-19. Review status: criteria provided, single submitter. Criteria: ACMG Guidelines, 2015. Collection method: clinical testing. Allele origin: biparental. Inheritance: Autosomal recessive inheritance. Affected: yes. Observed: 1 homozygote.
Comment: A homozygous nonsense variant in exon 13 of the IDUA gene (chr4:g.1004043C>T; Depth: 194x) that results in a stop codon and premature truncation of the protein at codon 587 (p.Gln587Ter; ENST00000514224.2) was detected. The observed variation has previously been reported in the patients affected with mucopolysaccharidoses [PMID: 27146977]. Mucopolysaccharidosis Ih (OMIM#607014); mucopolysaccharidosis Ih/s (OMIM# 607015) and mucopolysaccharidosis Is (OMIM#607016) are caused by homozygous or compound heterozygous mutations in the IDUA gene (OMIM*252800). The mucopolysaccharidoses are a group of inherited disorders caused by a lack of specific lysosomal enzymes involved in the degradation of glycosaminoglycans (GAGs), or mucopolysaccharides. The accumulation of partially degraded GAGs causes interference with cell, tissue, and organ function. Deficiency of alpha-L- iduronidase can result in a wide range of phenotypic involvement with 3 major recognized clinical entities: Hurler (MPS IH), Scheie (MPS IS), and Hurler-Scheie (MPS IH/S) syndromes. Hurler and Scheie syndromes represent phenotypes at the severe and mild ends of the MPS I clinical spectrum, respectively, and the Hurler-Scheie syndrome is intermediate in phenotypic expression [PMID: 18842627].

PreventionGenetics, part of Exact Sciences
Classification: Pathogenic for IDUA-related condition. Last evaluated: 2023-03-23. Review status: criteria provided, single submitter. Criteria: ACMG Guidelines, 2015. Collection method: clinical testing. Allele origin: germline.
Comment: The IDUA c.1759C>T variant is predicted to result in premature protein termination (p.Gln587*). This variant in the homozygous condition was reported in an individual with Mucopolysaccharidosis I (Table 1, Uttarilli et al 2016. PubMed ID: 27146977). This variant has not been reported in a large population database, indicating this variant is rare. Nonsense variants in IDUA are expected to be pathogenic. This variant is interpreted as pathogenic.

Literature cited by the submitters: PubMed 27146977 (cited by Department Of Genetics, Lifeline Super Speciality Hospital, Adoor.); PubMed 18842627 (cited by Department Of Genetics, Lifeline Super Speciality Hospital, Adoor.).